The following is an entry in ClinVar:

NM_024757.5(EHMT1):c.3012_3016del (p.Pro1005fs)

Gene: EHMT1 (euchromatic histone lysine methyltransferase 1; plus strand). Cytogenetic location: 9q34.3.
Variant type: Deletion.
Coding change: c.3012_3016del on transcript NM_024757.5 (MANE Select); coding-DNA positions 3012 to 3016, 5 bases deleted (CCCCG; older notation c.3012_3016delCCCCG).
Protein change: p.Pro1005fs; shifts the reading frame from proline 1005.
Molecular consequence: frameshift variant.
Genome position (GRCh38, 1-based): chr9:137,813,150-137,813,154, CCCCG deleted; deleting any 5 consecutive bases within chr9:137,813,149-137,813,154 gives the same sequence; the c. name uses the placement nearest the transcript's 3' end. VCF-style (leftmost placement, unchanged base first): chr9-137813148-AGCCCC-A. GRCh37 (hg19) VCF-style: chr9-140707600-AGCCCC-A.
Other names: c.2991_2995del, p.Pro998fs (NM_001354263.2); short protein forms P1005fs, P998fs.
Identifiers: ClinVar variation 1285440 (VCV001285440.1), dbSNP rs2137714332, ClinGen allele CA2499219815.
Genomic context (GRCh38, chr9:137,813,148, plus strand): 5'-CAGGTGTGGAGCGCTCTGCAGATGAGCAAGGCTCTGCAGGACTCGGCCCCCGACAGGCCC[AGCCCC>A]GTGGAGAGGATAGTGAGCAGGTGAGCCCAGCCCCAGGACGGCTTTGTGGCAAATCAGCGG-3'

ClinVar aggregate classification (germline): Pathogenic (1 of 4 stars; one submission).

Conditions:
Kleefstra syndrome 1 (KLEFS1). Identifiers: Orphanet 261494, MedGen C0795833, MONDO:0027407, OMIM 610253.

Submission:

Institute of Human Genetics, University of Leipzig Medical Center
Classification: Pathogenic for Kleefstra syndrome 1. Last evaluated: 2020-11-05. Review status: criteria provided, single submitter. Criteria: ACMG Guidelines, 2015. Collection method: clinical testing. Allele origin: unknown. Affected: yes.
Comment: de novo